The following is an entry in ClinVar:

NM_001457.4(FLNB):c.2539A>G (p.Lys847Glu)

Genes: FLNB (filamin B; plus strand), LOC129936935 (ATAC-STARR-seq lymphoblastoid active region 19999; plus strand). Cytogenetic location: 3p14.3.
Variant type: single nucleotide variant.
Coding change: c.2539A>G on transcript NM_001457.4 (MANE Select); coding-DNA position 2539, A replaced by G.
Protein change: p.Lys847Glu; replaces lysine 847 with glutamic acid.
Molecular consequence: missense variant.
Genome position (GRCh38, 1-based): chr3:58,111,845, A>G. VCF-style: chr3-58111845-A-G. GRCh37 (hg19) VCF-style: chr3-58097572-A-G.
Other names: c.2539A>G, p.Lys847Glu (NM_001164317.2, NM_001164318.2, NM_001164319.2); short protein forms K847E.
Identifiers: ClinVar variation 1718676 (VCV001718676.6), dbSNP rs2471091671, ClinGen allele CA353345644.

ClinVar aggregate classification (germline): Uncertain significance (1 of 4 stars; one submission).

Submission:

Labcorp Genetics (formerly Invitae), Labcorp
Classification: Uncertain significance. Last evaluated: 2025-08-18. Review status: criteria provided, single submitter. Criteria: Invitae Variant Classification Sherloc (09022015). Collection method: clinical testing. Allele origin: germline.
Comment: This sequence change replaces lysine, which is basic and polar, with glutamic acid, which is acidic and polar, at codon 847 of the FLNB protein (p.Lys847Glu). This variant is not present in population databases (gnomAD no frequency). This variant has not been reported in the literature in individuals affected with FLNB-related conditions. ClinVar contains an entry for this variant (Variation ID: 1718676). Invitae Evidence Modeling of protein sequence and biophysical properties (such as structural, functional, and spatial information, amino acid conservation, physicochemical variation, residue mobility, and thermodynamic stability) indicates that this missense variant is not expected to disrupt FLNB protein function with a negative predictive value of 95%. In summary, the available evidence is currently insufficient to determine the role of this variant in disease. Therefore, it has been classified as a Variant of Uncertain Significance.